The following is an entry in ClinVar:

ClinVar aggregate classification (germline): Uncertain significance (1 of 4 stars; one submission).

Allele frequency attached by ClinVar (database versions not stated): gnomAD exomes below 0.00001.
gnomAD v4.1: 1 of 1,570,130 alleles (0.000064%); highest among the groups gnomAD compares: Non-Finnish European, 0.000086%; no homozygotes.

Submission:

Labcorp Genetics (formerly Invitae), Labcorp
Classification: Uncertain significance. Last evaluated: 2022-05-09. Review status: criteria provided, single submitter. Criteria: Invitae Variant Classification Sherloc (09022015). Collection method: clinical testing. Allele origin: germline.
Comment: In summary, the available evidence is currently insufficient to determine the role of this variant in disease. Therefore, it has been classified as a Variant of Uncertain Significance. Variants that disrupt the consensus splice site are a relatively common cause of aberrant splicing (PMID: 17576681, 9536098). Algorithms developed to predict the effect of sequence changes on RNA splicing suggest that this variant is not likely to affect RNA splicing. This variant has not been reported in the literature in individuals affected with RXYLT1-related conditions. This variant is not present in population databases (gnomAD no frequency). This sequence change falls in intron 3 of the RXYLT1 gene. It does not directly change the encoded amino acid sequence of the RXYLT1 protein. It affects a nucleotide within the consensus splice site.

Literature cited by the submitters: PubMed 17576681; PubMed 9536098.

NM_014254.3(RXYLT1):c.429-3C>T

Gene: RXYLT1 (ribitol xylosyltransferase 1; plus strand). Cytogenetic location: 12q14.2.
Variant type: single nucleotide variant.
Coding change: c.429-3C>T on transcript NM_014254.3 (MANE Select); 3 bases into the intron before coding-DNA position 429, C replaced by T.
Molecular consequence: intron variant.
Genome position (GRCh38, 1-based): chr12:63,802,088, C>T. VCF-style: chr12-63802088-C-T. GRCh37 (hg19) VCF-style: chr12-64195868-C-T.
Other names: c.-352-3C>T (NM_001278237.2).
Identifiers: ClinVar variation 1992438 (VCV001992438.4), dbSNP rs2500519157, ClinGen allele CA2580086619.